The following is an entry in ClinVar:

NM_130466.4(UBE3B):c.2538G>A (p.Thr846=)

Gene: UBE3B (ubiquitin protein ligase E3B; plus strand). Cytogenetic location: 12q24.11.
Variant type: single nucleotide variant.
Coding change: c.2538G>A on transcript NM_130466.4 (MANE Select); coding-DNA position 2538, G replaced by A.
Protein change: p.Thr846=; no amino-acid change (threonine 846 retained).
Molecular consequence: synonymous variant.
Genome position (GRCh38, 1-based): chr12:109,524,473, G>A. VCF-style: chr12-109524473-G-A. GRCh37 (hg19) VCF-style: chr12-109962278-G-A.
Other names: c.2538G>A, p.Thr846= (NM_183415.3).
Identifiers: ClinVar variation 702606 (VCV000702606.11), dbSNP rs116919928, ClinGen allele CA6778241.
Genomic context (GRCh38, chr12:109,524,473, plus strand): 5'-ACTTTCCCCTTCTCTGTTACATTAGCGCTATGATGGGGACATCACTGACCTGGGCCTGAC[G>A]CTGTCTTACGACGAGGACGTCATGGGTCAGGTAGGTCCGCCCTTTGGCTGAGCTCCCTTT-3'
Protein context (NP_569733.2, residues 836-856): YDGDITDLGL[Thr846=]LSYDEDVMGQ

ClinVar aggregate classification (germline): Benign. Review status: criteria provided, multiple submitters, no conflicts (2 of 4 stars). 2 submissions from 2 submitters: Benign (2). Last evaluated 2026-01-24.

Conditions:
UBE3B-related disorder. Also called: UBE3B-related condition.

Allele frequency attached by ClinVar (database versions not stated): gnomAD exomes 0.00088 and 0.00406; gnomAD 0.00127 and 0.00188; TOPMed 0.00163; ExAC 0.00381; 1000 Genomes Project 30x 0.00843; 1000 Genomes Project 0.00938.
gnomAD v4.1: 1,684 of 1,614,176 alleles (0.1%); highest among the groups gnomAD compares: East Asian, 2.7%; 46 homozygotes.

Submissions (2):

Labcorp Genetics (formerly Invitae), Labcorp
Classification: Benign. Last evaluated: 2026-01-24. Review status: criteria provided, single submitter. Criteria: Invitae Variant Classification Sherloc (09022015). Collection method: clinical testing. Allele origin: germline.

PreventionGenetics, part of Exact Sciences
Classification: Benign for UBE3B-related condition. Last evaluated: 2025-04-15. Review status: criteria provided, single submitter. Criteria: ACMG Guidelines, 2015. Collection method: clinical testing. Allele origin: germline.
Comment: This variant is classified as benign based on ACMG/AMP sequence variant interpretation guidelines (Richards et al. 2015 PMID: 25741868, with internal and published modifications).